The following is an entry in ClinVar:

NM_018082.6(POLR3B):c.517G>C (p.Gly173Arg)

Gene: POLR3B (RNA polymerase III subunit B; plus strand). Cytogenetic location: 12q23.3.
Variant type: single nucleotide variant.
Coding change: c.517G>C on transcript NM_018082.6 (MANE Select); coding-DNA position 517, G replaced by C.
Protein change: p.Gly173Arg; replaces glycine 173 with arginine.
Molecular consequence: missense variant.
Genome position (GRCh38, 1-based): chr12:106,378,287, G>C. VCF-style: chr12-106378287-G-C. GRCh37 (hg19) VCF-style: chr12-106772065-G-C.
Other names: c.343G>C, p.Gly115Arg (NM_001160708.2); short protein forms G115R, G173R.
Identifiers: ClinVar variation 1809904 (VCV001809904.1), dbSNP rs2542005949, ClinGen allele CA386386582.

ClinVar aggregate classification (germline): Uncertain significance (1 of 4 stars; one submission).

Allele frequency attached by ClinVar (database versions not stated): gnomAD exomes below 0.00001.
gnomAD v4.1: 1 of 1,611,938 alleles (0.000062%); highest among the groups gnomAD compares: Non-Finnish European, 0.000085%; no homozygotes.

Submission:

GeneDx
Classification: Uncertain significance. Last evaluated: 2022-07-01. Review status: criteria provided, single submitter. Criteria: GeneDx Variant Classification Process June 2021. Collection method: clinical testing. Allele origin: germline. Affected: yes.
Comment: Not observed at significant frequency in large population cohorts (gnomAD); In silico analysis supports that this missense variant has a deleterious effect on protein structure/function; Has not been previously published as pathogenic or benign to our knowledge